The following is an entry in ClinVar:

ClinVar aggregate classification (germline): Uncertain significance (1 of 4 stars; one submission).

Conditions:
Inborn genetic diseases. Identifiers: MedGen C0950123, MeSH D030342.

Submission:

Ambry Genetics
Classification: Uncertain significance for Inborn genetic diseases. Last evaluated: 2025-11-30. Review status: criteria provided, single submitter. Criteria: Ambry Variant Classification Scheme 2023. Collection method: clinical testing. Allele origin: germline.
Comment: The p.R22G variant (also known as c.64C>G), located in coding exon 1 of the RECQL4 gene, results from a C to G substitution at nucleotide position 64. The arginine at codon 22 is replaced by glycine, an amino acid with dissimilar properties. This amino acid position is conserved. In addition, this alteration is predicted to be tolerated by in silico analysis. Based on the available evidence, the clinical significance of this variant remains unclear.

NM_004260.4(RECQL4):c.64C>G (p.Arg22Gly)

Genes: RECQL4 (RecQ like helicase 4; minus strand), LOC130001411 (ATAC-STARR-seq lymphoblastoid silent region 19699; plus strand). Cytogenetic location: 8q24.3.
Variant type: single nucleotide variant.
Coding change: c.64C>G on transcript NM_004260.4 (MANE Select); coding-DNA position 64, C replaced by G.
Protein change: p.Arg22Gly; replaces arginine 22 with glycine.
Molecular consequence: missense variant. On other transcripts: 5 prime UTR variant (17), non-coding transcript variant (3).
Genome position (GRCh38, 1-based): chr8:144,517,721, G>C on the plus strand (C>G on the coding strand, the complement: RECQL4 is on the minus strand). VCF-style: chr8-144517721-G-C. GRCh37 (hg19) VCF-style: chr8-145743105-G-C.
Other names: c.64C>G, p.Arg22Gly (NM_001413017.1, NM_001413018.1, NM_001413019.1 and 6 more transcripts); c.-722C>G (NM_001413021.1); c.-1073C>G (NM_001413022.1, NM_001413023.1, NM_001413037.1 and 2 more transcripts); c.-970C>G (NM_001413024.1); c.-1070C>G (NM_001413027.1); c.-798C>G (NM_001413028.1); c.-1135C>G (NM_001413030.1, NM_001413031.1, NM_001413041.1); c.-967C>G (NM_001413032.1); and 4 more; short protein forms R22G.
Identifiers: ClinVar variation 4628985 (VCV004628985.1).